The following is an entry in ClinVar:

ClinVar aggregate classification (germline): Uncertain significance (1 of 4 stars; one submission).

Conditions:
Infantile spasms. Also called: Infantile spasm. Identifiers: MedGen C3887898, HP:0012469.

gnomAD v4.1: 2 of 1,614,010 alleles (0.00012%); highest among the groups gnomAD compares: Non-Finnish European, 0.00017%; no homozygotes.

Submission:

Labcorp Genetics (formerly Invitae), Labcorp
Classification: Uncertain significance for Infantile spasms. Last evaluated: 2024-03-16. Review status: criteria provided, single submitter. Criteria: Invitae Variant Classification Sherloc (09022015). Collection method: clinical testing. Allele origin: germline.
Comment: This sequence change replaces alanine, which is neutral and non-polar, with glycine, which is neutral and non-polar, at codon 521 of the PIK3AP1 protein (p.Ala521Gly). This variant is not present in population databases (gnomAD no frequency). This variant has not been reported in the literature in individuals affected with PIK3AP1-related conditions. An algorithm developed to predict the effect of missense changes on protein structure and function (PolyPhen-2) suggests that this variant is likely to be tolerated. In summary, the available evidence is currently insufficient to determine the role of this variant in disease. Therefore, it has been classified as a Variant of Uncertain Significance.

NM_152309.3(PIK3AP1):c.1562C>G (p.Ala521Gly)

Gene: PIK3AP1 (phosphoinositide-3-kinase adaptor protein 1; minus strand). Cytogenetic location: 10q24.1.
Variant type: single nucleotide variant.
Coding change: c.1562C>G on transcript NM_152309.3 (MANE Select); coding-DNA position 1562, C replaced by G.
Protein change: p.Ala521Gly; replaces alanine 521 with glycine.
Molecular consequence: missense variant.
Genome position (GRCh38, 1-based): chr10:96,626,815, G>C on the plus strand (C>G on the coding strand, the complement: PIK3AP1 is on the minus strand). VCF-style: chr10-96626815-G-C. GRCh37 (hg19) VCF-style: chr10-98386572-G-C.
Other names: short protein forms A521G.
Identifiers: ClinVar variation 3646325 (VCV003646325.2).